The following is an entry in ClinVar:

NM_153676.4(USH1C):c.928C>T (p.Arg310Cys)

Gene: USH1C (USH1 protein network component harmonin; minus strand). Cytogenetic location: 11p15.1.
Variant type: single nucleotide variant.
Coding change: c.928C>T on transcript NM_153676.4 (MANE Select); coding-DNA position 928, C replaced by T.
Protein change: p.Arg310Cys; replaces arginine 310 with cysteine.
Molecular consequence: missense variant. On other transcripts: non-coding transcript variant (1).
Genome position (GRCh38, 1-based): chr11:17,522,875, G>A on the plus strand (C>T on the coding strand, the complement: USH1C is on the minus strand). VCF-style: chr11-17522875-G-A. GRCh37 (hg19) VCF-style: chr11-17544422-G-A.
Other names: c.928C>T (NM_005709.3); c.871C>T, p.Arg291Cys (NM_001297764.2); c.928C>T, p.Arg310Cys (NM_005709.4); short protein forms R291C, R310C.
Identifiers: ClinVar variation 1005994 (VCV001005994.5), dbSNP rs760448018, ClinGen allele CA5904787.

ClinVar aggregate classification (germline): Uncertain significance. Review status: criteria provided, multiple submitters, no conflicts (2 of 4 stars). 4 submissions from 4 submitters: Uncertain significance (3). 1 of the submissions does not count toward it. Last evaluated 2025-09-26.

Conditions:
Inborn genetic diseases. Identifiers: MedGen C0950123, MeSH D030342.
Usher syndrome type 1C. Also called: USHER SYNDROME, TYPE I, ACADIAN VARIETY. Identifiers: Orphanet 231169, Orphanet 886, MedGen C1848604, MONDO:0010171, OMIM 276904.

Allele frequency attached by ClinVar (database versions not stated): TOPMed below 0.00001; gnomAD exomes 0.00001; ExAC 0.00002.
gnomAD v4.1: 9 of 1,610,974 alleles (0.00056%); highest among the groups gnomAD compares: South Asian, 0.0011%; no homozygotes.

Submissions (4):

Ambry Genetics
Classification: Uncertain significance for Inborn genetic diseases. Last evaluated: 2025-09-26. Review status: criteria provided, single submitter. Criteria: Ambry Variant Classification Scheme 2023. Collection method: clinical testing. Allele origin: germline.

Labcorp Genetics (formerly Invitae), Labcorp
Classification: Uncertain significance. Last evaluated: 2022-08-15. Review status: criteria provided, single submitter. Criteria: Invitae Variant Classification Sherloc (09022015). Collection method: clinical testing. Allele origin: germline.
Comment: This sequence change replaces arginine, which is basic and polar, with cysteine, which is neutral and slightly polar, at codon 310 of the USH1C protein (p.Arg310Cys). This variant is present in population databases (rs760448018, gnomAD 0.003%). This variant has not been reported in the literature in individuals affected with USH1C-related conditions. ClinVar contains an entry for this variant (Variation ID: 1005994). Algorithms developed to predict the effect of missense changes on protein structure and function are either unavailable or do not agree on the potential impact of this missense change (SIFT: "Deleterious"; PolyPhen-2: "Possibly Damaging"; Align-GVGD: "Class C15"). In summary, the available evidence is currently insufficient to determine the role of this variant in disease. Therefore, it has been classified as a Variant of Uncertain Significance.

Blueprint Genetics
Classification: Uncertain significance. Last evaluated: 2018-10-12. Review status: criteria provided, single submitter. Criteria: ACMG Guidelines, 2015. Collection method: clinical testing. Allele origin: germline.

Natera, Inc.
Classification: Uncertain significance for Usher syndrome type 1C. Last evaluated: 2021-01-04. Review status: no assertion criteria provided. Collection method: clinical testing. Allele origin: germline. Not counted in ClinVar's aggregate classification.